The following is an entry in ClinVar:

NM_013275.6(ANKRD11):c.6822C>T (p.Pro2274=)

Gene: ANKRD11 (ankyrin repeat domain 11; minus strand). Cytogenetic location: 16q24.3.
Variant type: single nucleotide variant.
Coding change: c.6822C>T on transcript NM_013275.6 (MANE Select); coding-DNA position 6822, C replaced by T.
Protein change: p.Pro2274=; no amino-acid change (proline 2274 retained).
Molecular consequence: synonymous variant.
Genome position (GRCh38, 1-based): chr16:89,279,720, G>A on the plus strand (C>T on the coding strand, the complement: ANKRD11 is on the minus strand). VCF-style: chr16-89279720-G-A. GRCh37 (hg19) VCF-style: chr16-89346128-G-A.
Other names: c.6822C>T, p.Pro2274= (NM_001256182.2, NM_001256183.2).
Identifiers: ClinVar variation 2647059 (VCV002647059.28), dbSNP rs148730499, ClinGen allele CA8241327.

ClinVar aggregate classification (germline): Likely benign. Review status: criteria provided, multiple submitters, no conflicts (2 of 4 stars). 3 submissions from 3 submitters: Likely benign (3). Last evaluated 2026-01-26.

Conditions:
KBG syndrome (KBGS). Also called: ANKRD11-Related KBG Syndrome. Identifiers: Orphanet 2332, MedGen C0220687, MONDO:0007846, OMIM 148050.

Allele frequency attached by ClinVar (database versions not stated): TOPMed 0.00004; gnomAD 0.00006; 1000 Genomes Project 30x 0.00016; ExAC 0.00055.
gnomAD v4.1: 68 of 1,534,324 alleles (0.0044%); highest among the groups gnomAD compares: Middle Eastern, 0.12%; no homozygotes.

Submissions (3):

Labcorp Genetics (formerly Invitae), Labcorp
Classification: Likely benign for KBG syndrome. Last evaluated: 2026-01-26. Review status: criteria provided, single submitter. Criteria: Invitae Variant Classification Sherloc (09022015). Collection method: clinical testing. Allele origin: germline.

Blueprint Genetics
Classification: Likely benign. Last evaluated: 2024-02-27. Review status: criteria provided, single submitter. Criteria: ACMG Guidelines, 2015. Collection method: clinical testing. Allele origin: germline.

CeGaT Center for Human Genetics Tuebingen
Classification: Likely benign. Last evaluated: 2023-01-01. Review status: criteria provided, single submitter. Criteria: CeGaT Center For Human Genetics Tuebingen Variant Classification Criteria Version 2. Collection method: clinical testing. Allele origin: germline. Affected: yes. Observed: 1 variant allele.
Comment: ANKRD11: BP4, BP7